The following is an entry in ClinVar:

NM_000301.5(PLG):c.1468C>T (p.Arg490Ter)

Gene: PLG (plasminogen; plus strand). Cytogenetic location: 6q26.
Variant type: single nucleotide variant.
Coding change: c.1468C>T on transcript NM_000301.5 (MANE Select); coding-DNA position 1468, C replaced by T.
Protein change: p.Arg490Ter; replaces arginine 490 with a stop codon.
Molecular consequence: nonsense.
Genome position (GRCh38, 1-based): chr6:160,731,774, C>T. VCF-style: chr6-160731774-C-T. GRCh37 (hg19) VCF-style: chr6-161152806-C-T.
Other names: short protein forms R490*.
Identifiers: ClinVar variation 2734965 (VCV002734965.3), dbSNP rs367707054, ClinGen allele CA4087797.
Genomic context (GRCh38, chr6:160,731,774, plus strand): 5'-CTTCATAATCATCCATTTTTTCCCTGTACAGACTGTATGTTTGGGAATGGGAAAGGATAC[C>T]GAGGCAAGAGGGCGACCACTGTTACTGGGACGCCATGCCAGGACTGGGCTGCCCAGGAGC-3'

ClinVar aggregate classification (germline): Pathogenic (1 of 4 stars; one submission).

gnomAD v4.1: 13 of 1,613,720 alleles (0.00081%); highest among the groups gnomAD compares: African/African-American, 0.0013%; no homozygotes.

Submission:

Labcorp Genetics (formerly Invitae), Labcorp
Classification: Pathogenic. Last evaluated: 2023-12-15. Review status: criteria provided, single submitter. Criteria: Invitae Variant Classification Sherloc (09022015). Collection method: clinical testing. Allele origin: germline.
Comment: This sequence change creates a premature translational stop signal (p.Arg490*) in the PLG gene. It is expected to result in an absent or disrupted protein product. Loss-of-function variants in PLG are known to be pathogenic (PMID: 16849641). This variant is present in population databases (rs367707054, gnomAD 0.003%). This premature translational stop signal has been observed in individual(s) with plasminogen deficiency (PMID: 12945885). Algorithms developed to predict the effect of sequence changes on RNA splicing suggest that this variant may disrupt the consensus splice site. For these reasons, this variant has been classified as Pathogenic.

Literature cited by the submitters: PubMed 16849641; PubMed 12945885.